The following is an entry in ClinVar:

NM_001197104.2(KMT2A):c.319C>T (p.Arg107Trp)

Gene: KMT2A (lysine methyltransferase 2A; plus strand). Cytogenetic location: 11q23.3.
Variant type: single nucleotide variant.
Coding change: c.319C>T on transcript NM_001197104.2 (MANE Select); coding-DNA position 319, C replaced by T.
Protein change: p.Arg107Trp; replaces arginine 107 with tryptophan.
Molecular consequence: missense variant.
Genome position (GRCh38, 1-based): chr11:118,436,831, C>T. VCF-style: chr11-118436831-C-T. GRCh37 (hg19) VCF-style: chr11-118307546-C-T.
Other names: c.319C>T, p.Arg107Trp (NM_001412597.1, NM_005933.4); short protein forms R107W.
Identifiers: ClinVar variation 1934464 (VCV001934464.5), dbSNP rs1006220485, ClinGen allele CA229503016.
Genomic context (GRCh38, chr11:118,436,831, plus strand): 5'-TCGTCCGCCTCGTCTTCGTCTTCGTCATCGTCCTCAGCCTCTTCAGGGCCGGCCCTGCTC[C>T]GGGTGGGCCCGGGCTTCGACGCGGCGCTGCAGGTCTCGGCCGCCATCGGCACCAACCTGC-3'
Protein context (NP_001184033.1, residues 97-117): SSASSGPALL[Arg107Trp]VGPGFDAALQ

ClinVar aggregate classification (germline): Uncertain significance (1 of 4 stars; one submission).

Allele frequency attached by ClinVar (database versions not stated): gnomAD 0.00001.

Submission:

Labcorp Genetics (formerly Invitae), Labcorp
Classification: Uncertain significance. Last evaluated: 2022-04-17. Review status: criteria provided, single submitter. Criteria: Invitae Variant Classification Sherloc (09022015). Collection method: clinical testing. Allele origin: germline.
Comment: In summary, the available evidence is currently insufficient to determine the role of this variant in disease. Therefore, it has been classified as a Variant of Uncertain Significance. Advanced modeling of protein sequence and biophysical properties (such as structural, functional, and spatial information, amino acid conservation, physicochemical variation, residue mobility, and thermodynamic stability) performed at Invitae indicates that this missense variant is not expected to disrupt KMT2A protein function. This variant has not been reported in the literature in individuals affected with KMT2A-related conditions. This variant is not present in population databases (gnomAD no frequency). This sequence change replaces arginine, which is basic and polar, with tryptophan, which is neutral and slightly polar, at codon 107 of the KMT2A protein (p.Arg107Trp).